The following is an entry in ClinVar:

ClinVar aggregate classification (germline): Uncertain significance (1 of 4 stars; one submission).

Allele frequency attached by ClinVar (database versions not stated): ExAC 0.00001; gnomAD exomes 0.00001; TOPMed 0.00001.

Submission:

Labcorp Genetics (formerly Invitae), Labcorp
Classification: Uncertain significance. Last evaluated: 2024-10-13. Review status: criteria provided, single submitter. Criteria: Invitae Variant Classification Sherloc (09022015). Collection method: clinical testing. Allele origin: germline.
Comment: This sequence change replaces methionine, which is neutral and non-polar, with threonine, which is neutral and polar, at codon 1115 of the STAG2 protein (p.Met1115Thr). This variant is present in population databases (rs768493739, gnomAD 0.001%). This variant has not been reported in the literature in individuals affected with STAG2-related conditions. An algorithm developed to predict the effect of missense changes on protein structure and function (PolyPhen-2) suggests that this variant is likely to be tolerated. In summary, the available evidence is currently insufficient to determine the role of this variant in disease. Therefore, it has been classified as a Variant of Uncertain Significance.

NM_001042750.2(STAG2):c.3344T>C (p.Met1115Thr)

Gene: STAG2 (STAG2 cohesin complex component; plus strand). Cytogenetic location: Xq25.
Variant type: single nucleotide variant.
Coding change: c.3344T>C on transcript NM_001042750.2 (MANE Select); coding-DNA position 3344, T replaced by C.
Protein change: p.Met1115Thr; replaces methionine 1115 with threonine.
Molecular consequence: missense variant.
Genome position (GRCh38, 1-based): chrX:124,090,641, T>C. VCF-style: chrX-124090641-T-C. GRCh37 (hg19) VCF-style: chrX-123224491-T-C.
Other names: c.3344T>C, p.Met1115Thr (NM_001042749.2, NM_001042751.2, NM_001282418.2 and 13 more transcripts); short protein forms M1115T.
Identifiers: ClinVar variation 3012310 (VCV003012310.3), dbSNP rs768493739, ClinGen allele CA10509150.